The following is an entry in ClinVar:

ClinVar aggregate classification (germline): Uncertain significance (1 of 4 stars; one submission).

Submission:

Labcorp Genetics (formerly Invitae), Labcorp
Classification: Uncertain significance. Last evaluated: 2022-07-15. Review status: criteria provided, single submitter. Criteria: Invitae Variant Classification Sherloc (09022015). Collection method: clinical testing. Allele origin: germline.
Comment: This variant has not been reported in the literature in individuals affected with AGBL5-related conditions. In summary, the available evidence is currently insufficient to determine the role of this variant in disease. Therefore, it has been classified as a Variant of Uncertain Significance. Variants that disrupt the consensus splice site are a relatively common cause of aberrant splicing (PMID: 17576681, 9536098). Algorithms developed to predict the effect of sequence changes on RNA splicing suggest that this variant may disrupt the consensus splice site. Algorithms developed to predict the effect of missense changes on protein structure and function are either unavailable or do not agree on the potential impact of this missense change (SIFT: "Tolerated"; PolyPhen-2: "Probably Damaging"; Align-GVGD: "Class C0"). This variant is not present in population databases (gnomAD no frequency). This sequence change replaces glutamine, which is neutral and polar, with histidine, which is basic and polar, at codon 785 of the AGBL5 protein (p.Gln785His). This variant also falls at the last nucleotide of exon 13, which is part of the consensus splice site for this exon.

Literature cited by the submitters: PubMed 17576681; PubMed 9536098.

NM_021831.6(AGBL5):c.2355G>C (p.Gln785His)

Gene: AGBL5 (AGBL carboxypeptidase 5; plus strand). Cytogenetic location: 2p23.3.
Variant type: single nucleotide variant.
Coding change: c.2355G>C on transcript NM_021831.6 (MANE Select); coding-DNA position 2355, G replaced by C.
Protein change: p.Gln785His; replaces glutamine 785 with histidine.
Molecular consequence: missense variant. On other transcripts: non-coding transcript variant (2).
Genome position (GRCh38, 1-based): chr2:27,068,744, G>C. VCF-style: chr2-27068744-G-C. GRCh37 (hg19) VCF-style: chr2-27291612-G-C.
Other names: c.2355G>C, p.Gln785His (NM_001035506.1); short protein forms Q785H.
Identifiers: ClinVar variation 1994019 (VCV001994019.4), dbSNP rs2465552837, ClinGen allele CA346141786.